The following continues an entry in ClinVar:

NM_017739.4(POMGNT1):c.1325G>A (p.Arg442His)

ClinVar aggregate classification (germline): Pathogenic/Likely pathogenic. Pathogenic (9); Likely pathogenic (2).

Submissions 8 to 11 of 11:

Broad Center for Mendelian Genomics, Broad Institute of MIT and Harvard
Classification: Likely pathogenic for Muscular dystrophy-dystroglycanopathy. Last evaluated: 2023-01-24. Review status: criteria provided, single submitter. Criteria: ACMG Guidelines, 2015. Collection method: curation. Allele origin: germline. Inheritance: Autosomal recessive inheritance.
Comment: The p.Arg442His variant in POMGNT1 has been reported in five individuals with muscular dystrophy-dystroglycanopathy (PMID: 17869517, 23894383, 15938569, 17906881, 33200426), and has been identified in 0.002892% (1/34580) Latino/Admixed American chromosomes by the Genome Aggregation Database (gnomAD; dbSNP ID:rs150877512). Although this variant has been seen in the general population in a heterozygous state, its frequency is low enough to be consistent with a recessive carrier frequency. This variant has also been reported in ClinVar (Variation ID#:872288) and has been interpreted as pathogenic by Invitae, CeGaT Center for Human Genetics Tuebingen, and Women's Health and Genetics/Laboratory Corporation of America, LabCorp, and likely pathogenic by Myriad Women's Health, Inc. Of these five affected individuals, two were homozygotes, which increases the likelihood that the p.Arg442His variant is pathogenic (PMID: 17906881, 7869517). In vitro functional studies provide some evidence that the p.Arg442His variant may impact protein function, as reflected by reduced catalytic activity in enzymatic activity assays (PMID: 21361872, 17869517). However, these types of assays may not accurately represent biological function. Computational prediction tools and conservation analyses suggest that this variant may impact the protein, though this information is not predictive enough to determine pathogenicity. In summary, although additional studies are required to fully establish its clinical significance, this variant is likely pathogenic for POMGNT1-associated muscular dystrophy-dystroglycanopathy. ACMG/AMP Criteria applied: PS3_Moderate, PM2_Supporting, PM3, PP3 (Richards 2015).

Myriad Genetics, Inc.
Classification: Likely pathogenic for Muscular dystrophy-dystroglycanopathy (congenital with brain and eye anomalies), type A3. Last evaluated: 2021-11-03. Review status: criteria provided, single submitter. Criteria: Myriad Women's Health Autosomal Recessive and X-Linked Classification Criteria (2021). Collection method: clinical testing. Allele origin: unknown.
Comment: NM_017739.3(POMGNT1):c.1325G>A(R442H) is a missense variant classified as likely pathogenic in the context of POMGNT-related disorders. R442H has been observed in cases with relevant disease (PMID: 17906881, 23894383, 33200426). Functional assessments of this variant are available in the literature (PMID: 21361872, 17869517). Internal structural analysis of the variant is supportive of pathogenicity. R442H has been observed in population frequency databases (gnomAD: AMR 0.003%). In summary, NM_017739.3(POMGNT1):c.1325G>A(R442H) is a missense variant that has internal structural support for pathogenicity and has been observed more frequently in cases with the relevant disease than in healthy populations. Please note: this variant was assessed in the context of healthy population screening.

Women's Health and Genetics/Laboratory Corporation of America, LabCorp
Classification: Pathogenic for Limb-girdle muscular dystrophy, autosomal recessive. Last evaluated: 2020-03-09. Review status: criteria provided, single submitter. Criteria: LabCorp Variant Classification Summary - May 2015. Collection method: clinical testing. Allele origin: germline.
Comment: Variant summary: POMGNT1 c.1325G>A (p.Arg442His) results in a non-conservative amino acid change in the encoded protein sequence. Five of five in-silico tools predict a damaging effect of the variant on protein function. The variant allele was found at a frequency of 1.6e-05 in 251304 control chromosomes (gnomAD). c.1325G>A has been reported in the literature in individuals affected with Muscle-eye-brain disease and congenital muscular dystrophy (Hehr_2007, Voglmeir_2011, Stevens_2013). These data indicate that the variant is likely to be associated with disease. At least one publication reports reduced POMGnT1 activity (compared to controls) in lymphoblasts from a homozygous patient (Manya_2008). No clinical diagnostic laboratories have submitted clinical-significance assessments for this variant to ClinVar after 2014. Based on the evidence outlined above, the variant was classified as pathogenic.

CeGaT Center for Human Genetics Tuebingen
Classification: Pathogenic. Last evaluated: 2016-09-01. Review status: criteria provided, single submitter. Criteria: CeGaT Center For Human Genetics Tuebingen Variant Classification Criteria Version 2. Collection method: clinical testing. Allele origin: germline. Affected: yes. Observed: 1 variant allele.

Literature cited by the submitters: PubMed 15938569 (cited by Labcorp Genetics (formerly Invitae), Labcorp); PubMed 23894383 (cited by 4 submitters); PubMed 21361872 (cited by 4 submitters); PubMed 15236414 (cited by Labcorp Genetics (formerly Invitae), Labcorp); PubMed 17906881 (cited by 5 submitters); PubMed 1786951 (cited by Variantyx, Inc.); PubMed 20816175 (cited by Natera, Inc.); PubMed 33200426 (cited by Natera, Inc. and Myriad Genetics, Inc.); PubMed 33914258 (cited by Natera, Inc.); PubMed 17869517 (cited by Myriad Genetics, Inc. and Women's Health and Genetics/Laboratory Corporation of America, LabCorp).